The following is an entry in ClinVar:

NM_001370298.3(FGD4):c.2104del (p.Cys702fs)

Gene: FGD4 (FYVE, RhoGEF and PH domain containing 4; plus strand). Cytogenetic location: 12p11.21.
Variant type: Deletion.
Coding change: c.2104del on transcript NM_001370298.3 (MANE Select); coding-DNA position 2104, one base deleted (T; older notation c.2104delT).
Protein change: p.Cys702fs; shifts the reading frame from cysteine 702.
Molecular consequence: frameshift variant.
Genome position (GRCh38, 1-based): chr12:32,625,711, T deleted. VCF-style (leftmost placement, unchanged base first): chr12-32625710-GT-G. GRCh37 (hg19) VCF-style: chr12-32778644-GT-G.
Other names: c.1948delT, p.Cys650Valfs (NM_001304481.2); c.949del, p.Cys317fs (NM_001304483.2); c.661del, p.Cys221fs (NM_001304484.2); c.1414del, p.Cys472fs (NM_001330373.2, NM_001330374.2, NM_001384130.1); c.1141del, p.Cys381fs (NM_001370297.1); c.2104del, p.Cys702fs (NM_001384126.1); c.1693del, p.Cys565fs (NM_001384127.1, NM_001384128.1, NM_001385118.1 and 1 more transcripts); short protein forms C221fs, C317fs, C472fs, C565fs, C381fs, C650fs, C702fs.
Identifiers: ClinVar variation 1778181 (VCV001778181.2), dbSNP rs2540786278, ClinGen allele CA2580085447.

ClinVar aggregate classification (germline): Pathogenic (1 of 4 stars; one submission).

Conditions:
Inborn genetic diseases. Identifiers: MedGen C0950123, MeSH D030342.

Submission:

Ambry Genetics
Classification: Pathogenic for Inborn genetic diseases. Last evaluated: 2021-04-06. Review status: criteria provided, single submitter. Criteria: Ambry Variant Classification Scheme 2023. Collection method: clinical testing. Allele origin: germline.
Comment: The c.1693delT pathogenic mutation, located in coding exon 12 of the FGD4 gene, results from a deletion of one nucleotide at nucleotide position 1693, causing a translational frameshift with a predicted alternate stop codon (p.C565Vfs*2). This alteration is expected to result in loss of function by premature protein truncation or nonsense-mediated mRNA decay. As such, this alteration is interpreted as a disease-causing mutation.